The following is an entry in ClinVar:

NM_152564.5(VPS13B):c.6159T>C (p.His2053=)

Gene: VPS13B (vacuolar protein sorting 13 homolog B; plus strand). Cytogenetic location: 8q22.2.
Variant type: single nucleotide variant.
Coding change: c.6159T>C on transcript NM_152564.5 (MANE Select); coding-DNA position 6159, T replaced by C.
Protein change: p.His2053=; no amino-acid change (histidine 2053 retained).
Molecular consequence: synonymous variant.
Genome position (GRCh38, 1-based): chr8:99,699,637, T>C. VCF-style: chr8-99699637-T-C. GRCh37 (hg19) VCF-style: chr8-100711865-T-C.
Other names: c.6234T>C, p.His2078= (NM_017890.5).
Identifiers: ClinVar variation 3355410 (VCV003355410.1).

ClinVar aggregate classification (germline): Likely benign (0 of 4 stars; one submission).

Conditions:
VPS13B-related disorder. Also called: VPS13B-related condition.

gnomAD v4.1: 9 of 1,614,136 alleles (0.00056%); highest among the groups gnomAD compares: Non-Finnish European, 0.00076%; no homozygotes.

Submission:

PreventionGenetics, part of Exact Sciences
Classification: Likely benign for VPS13B-related condition. Last evaluated: 2024-05-22. Review status: no assertion criteria provided. Collection method: clinical testing. Allele origin: germline.
Comment: This variant is classified as likely benign based on ACMG/AMP sequence variant interpretation guidelines (Richards et al. 2015 PMID: 25741868, with internal and published modifications).